The following is an entry in ClinVar:

NM_031844.3(HNRNPU):c.46C>T (p.Leu16=)

Gene: HNRNPU (heterogeneous nuclear ribonucleoprotein U; minus strand). Cytogenetic location: 1q44.
Variant type: single nucleotide variant.
Coding change: c.46C>T on transcript NM_031844.3 (MANE Select); coding-DNA position 46, C replaced by T.
Protein change: p.Leu16=; no amino-acid change (leucine 16 retained).
Molecular consequence: synonymous variant.
Genome position (GRCh38, 1-based): chr1:244,864,262, G>A on the plus strand (C>T on the coding strand, the complement: HNRNPU is on the minus strand). VCF-style: chr1-244864262-G-A. GRCh37 (hg19) VCF-style: chr1-245027564-G-A.
Other names: c.46C>T, p.Leu16= (NM_004501.3).
Identifiers: ClinVar variation 749887 (VCV000749887.11), dbSNP rs1573338565, ClinGen allele CA424402625.

ClinVar aggregate classification (germline): Likely benign. Review status: criteria provided, multiple submitters, no conflicts (2 of 4 stars). 2 submissions from 2 submitters: Likely benign (2). Last evaluated 2026-07-01.

Conditions:
Developmental and epileptic encephalopathy, 54. Also called: HNRNPU-Related Neurodevelopmental Disorder; Epileptic encephalopathy, early infantile, 54. Identifiers: MedGen C4479319, MONDO:0033363, OMIM 617391.

Allele frequency attached by ClinVar (database versions not stated): gnomAD exomes below 0.00001.
gnomAD v4.1: 2 of 1,613,390 alleles (0.00012%); highest among the groups gnomAD compares: African/African-American, 0.0027%; no homozygotes.

Submissions (2):

CeGaT Center for Human Genetics Tuebingen
Classification: Likely benign. Last evaluated: 2026-07-01. Review status: criteria provided, single submitter. Criteria: CeGaT Center For Human Genetics Tuebingen Variant Classification Criteria Version 2. Collection method: clinical testing. Allele origin: germline. Affected: yes. Observed: 1 variant allele.
Comment: HNRNPU: BP4, BP7

Labcorp Genetics (formerly Invitae), Labcorp
Classification: Likely benign for Developmental and epileptic encephalopathy, 54. Last evaluated: 2018-02-26. Review status: criteria provided, single submitter. Criteria: Invitae Variant Classification Sherloc (09022015). Collection method: clinical testing. Allele origin: germline.